The following is an entry in ClinVar:

ClinVar aggregate classification (germline): Likely pathogenic (1 of 4 stars; one submission).

Conditions:
Glycine encephalopathy. Also called: Non-ketotic hyperglycinemia; Nonketotic hyperglycinemia. Identifiers: Orphanet 407, MedGen C0751748, MONDO:0011612, HP:0008288.

Submission:

Myriad Genetics, Inc.
Classification: Likely pathogenic for Glycine encephalopathy 1. Last evaluated: 2019-11-20. Review status: criteria provided, single submitter. Criteria: Myriad Women's Health Autosomal Recessive and X-Linked Classification Criteria (2019). Collection method: clinical testing. Allele origin: unknown.
Comment: NM_000170.2(GLDC):c.302T>A(L101*) is expected to be pathogenic in the context of GLDC-related glycine encephalopathy. This variant is predicted to lead to an abnormal or absent protein product due to the creation of a premature termination codon in GLDC, a gene where loss-of-function variants are known to be pathogenic. Please note: this variant was assessed in the context of healthy population screening.

NM_000170.3(GLDC):c.302T>A (p.Leu101Ter)

Gene: GLDC (glycine decarboxylase; minus strand). Cytogenetic location: 9p24.1.
Variant type: single nucleotide variant.
Coding change: c.302T>A on transcript NM_000170.3 (MANE Select); coding-DNA position 302, T replaced by A.
Protein change: p.Leu101Ter; replaces leucine 101 with a stop codon.
Molecular consequence: nonsense.
Genome position (GRCh38, 1-based): chr9:6,644,646, A>T on the plus strand (T>A on the coding strand, the complement: GLDC is on the minus strand). VCF-style: chr9-6644646-A-T. GRCh37 (hg19) VCF-style: chr9-6644646-A-T.
Other names: short protein forms L101*.
Identifiers: ClinVar variation 984336 (VCV000984336.3), dbSNP rs1819702000, ClinGen allele CA372885698.
Genomic context (GRCh38, chr9:6,644,646, plus strand): 5'-GTCCAAGGGAGCCCTCCCGGCCACTTACAAACAGGGTCTTCCATTTTCAAGGGTCTTTTC[A>T]AACGGATGTTGGCAGGGACCGTCTTCTCGATCAATTCATCAATGCTCTAAAATTAAAACG-3'